The following is an entry in ClinVar:

ClinVar aggregate classification (germline): Likely pathogenic (1 of 4 stars; one submission).

Submission:

Labcorp Genetics (formerly Invitae), Labcorp
Classification: Likely pathogenic. Last evaluated: 2023-03-26. Review status: criteria provided, single submitter. Criteria: Invitae Variant Classification Sherloc (09022015). Collection method: clinical testing. Allele origin: germline.
Comment: In summary, the currently available evidence indicates that the variant is pathogenic, but additional data are needed to prove that conclusively. Therefore, this variant has been classified as Likely Pathogenic. Algorithms developed to predict the effect of sequence changes on RNA splicing suggest that this variant may disrupt the consensus splice site. ClinVar contains an entry for this variant (Variation ID: 2098584). This variant has not been reported in the literature in individuals affected with ALPK3-related conditions. This variant is not present in population databases (gnomAD no frequency). This sequence change affects a donor splice site in intron 3 of the ALPK3 gene. It is expected to disrupt RNA splicing. Variants that disrupt the donor or acceptor splice site typically lead to a loss of protein function (PMID: 16199547), and loss-of-function variants in ALPK3 are known to be pathogenic (PMID: 21441111, 26846950, 27106955, 34263907).

Literature cited by the submitters: PubMed 16199547; PubMed 21441111; PubMed 26846950; PubMed 27106955; PubMed 34263907.

NM_020778.5(ALPK3):c.304+2T>A

Gene: ALPK3 (alpha kinase 3; plus strand). Cytogenetic location: 15q25.3.
Variant type: single nucleotide variant.
Coding change: c.304+2T>A on transcript NM_020778.5 (MANE Select); the canonical splice donor site of the intron after coding-DNA position 304, T replaced by A.
Molecular consequence: splice donor variant.
Genome position (GRCh38, 1-based): chr15:84,827,607, T>A. VCF-style: chr15-84827607-T-A. GRCh37 (hg19) VCF-style: chr15-85370838-T-A.
Identifiers: ClinVar variation 2098584 (VCV002098584.4), dbSNP rs2505697321, ClinGen allele CA393371223.